The following continues an entry in ClinVar:

NM_000059.4(BRCA2):c.4965C>G (p.Tyr1655Ter)

Gene: BRCA2. ClinVar aggregate classification (germline): Pathogenic. Pathogenic (1).

Submissions 10 to 20 of 35:

Revvity Omics, Revvity
Classification: Pathogenic. Last evaluated: 2024-08-26. Review status: criteria provided, single submitter. Criteria: ACMG Guidelines, 2015. Collection method: clinical testing. Allele origin: germline. Not counted in ClinVar's aggregate classification.

Genomics and Molecular Medicine Service, East Genomic Laboratory Hub, NHS Genomic Medicine Service
Classification: Pathogenic for Inherited ovarian cancer (without breast cancer). Last evaluated: 2024-08-14. Review status: criteria provided, single submitter. Criteria: ACGS Best Practice Guidelines for Variant Classification in Rare Disease 2020. Collection method: clinical testing. Allele origin: germline. Affected: yes. Not counted in ClinVar's aggregate classification.
Comment: PVS1,PM5_Strong

ARUP Laboratories, Molecular Genetics and Genomics, ARUP Laboratories
Classification: Pathogenic. Last evaluated: 2024-07-02. Review status: criteria provided, single submitter. Criteria: ARUP Molecular Germline Variant Investigation Process 2024. Collection method: clinical testing. Allele origin: germline. Not counted in ClinVar's aggregate classification.
Comment: The BRCA2 c.4965C>G; p.Tyr1655Ter variant (rs80358721), also known as c.5685C>G or 5193C>G, is reported in the literature in multiple individuals affected with breast and ovarian cancer (Pruss 2014, Ramus 2007, Rebbeck 2018, Susswein 2016, Tung 2015). This variant is reported in ClinVar (Variation ID: 37936), and is only observed on two alleles in the Genome Aggregation Database (v2.1.1), indicating it is not a common polymorphism. This variant induces an early termination codon and is predicted to result in a truncated protein or mRNA subject to nonsense-mediated decay. Based on available information, this variant is considered to be pathogenic. References: Pruss D et al. Development and validation of a new algorithm for the reclassification of genetic variants identified in the BRCA1 and BRCA2 genes. Breast Cancer Res Treat. 2014 Aug;147(1):119-32. PMID: 25085752. Ramus SJ et al. Contribution of BRCA1 and BRCA2 mutations to inherited ovarian cancer. Hum Mutat. 2007 Dec;28(12):1207-15. PMID: 17688236. Rebbeck TR et al. Mutational spectrum in a worldwide study of 29,700 families with BRCA1 or BRCA2 mutations. Hum Mutat. 2018 May;39(5):593-620. PMID: 29446198. Susswein LR et al. Pathogenic and likely pathogenic variant prevalence among the first 10,000 patients referred for next-generation cancer panel testing. Genet Med. 2016 Aug;18(8):823-32. PMID: 26681312. Tung N et al. Frequency of mutations in individuals with breast cancer referred for BRCA1 and BRCA2 testing using next-generation sequencing with a 25-gene panel. Cancer. 2015 Jan 1;121(1):25-33. PMID: 25186627.

All of Us Research Program, National Institutes of Health
Classification: Pathogenic for BRCA2-related cancer predisposition. Last evaluated: 2024-06-09. Review status: criteria provided, single submitter. Criteria: ACMG Guidelines, 2015. Collection method: clinical testing. Allele origin: germline. Inheritance: Autosomal dominant inheritance. Observed: 5 variant alleles, 5 heterozygotes. Not counted in ClinVar's aggregate classification.
Comment: This variant changes 1 nucleotide in exon 11 of the BRCA2 gene, creating a premature translation stop signal. This variant is expected to result in an absent or non-functional protein product. This variant has been reported in at least 7 individuals affected with breast and/or ovarian cancer and an individual affected with pancreatic cancer (PMID: 21709188, 2200631, 24728189, 25136594, 25186627, 26681312, 28616458, 28726808, 29371908). In a large breast cancer case-control study conducted by the BRIDGES consortium, this variant was reported in 8/60466 cases and 3/53461 unaffected controls (PMID: 33471991; Leiden Open Variation Database DB-ID BRCA2_003110). This variant has been identified in 27 families among the CIMBA participants (PMID: 29446198). This variant has been identified in 2/271452 chromosomes in the general population by the Genome Aggregation Database (gnomAD). Loss of BRCA2 function is a known mechanism of disease. Based on the available evidence, this variant is classified as Pathogenic.

This study involves interpretation of variants in research participants for the purpose of population health screening. Participant phenotype was not available at the time of variant classification. Additional details can be found in publication PMID: 35346344, PMCID: PMC8962531

Color Diagnostics, LLC DBA Color Health
Classification: Pathogenic for Hereditary cancer-predisposing syndrome. Last evaluated: 2024-05-23. Review status: criteria provided, single submitter. Criteria: ACMG Guidelines, 2015. Collection method: clinical testing. Allele origin: germline. Not counted in ClinVar's aggregate classification.
Comment: This variant changes 1 nucleotide in exon 11 of the BRCA2 gene, creating a premature translation stop signal. This variant is expected to result in an absent or non-functional protein product. This variant has been reported in at least 7 individuals affected with breast and/or ovarian cancer and an individual affected with pancreatic cancer (PMID: 21709188, 2200631, 24728189, 25136594, 25186627, 26681312, 28616458, 28726808, 29371908). In a large breast cancer case-control study conducted by the BRIDGES consortium, this variant was reported in 8/60466 cases and 3/53461 unaffected controls (PMID: 33471991; Leiden Open Variation Database DB-ID BRCA2_003110). This variant has been identified in 27 families among the CIMBA participants (PMID: 29446198). This variant has been identified in 2/271452 chromosomes in the general population by the Genome Aggregation Database (gnomAD). Loss of BRCA2 function is a known mechanism of disease. Based on the available evidence, this variant is classified as Pathogenic.

Baylor Genetics
Classification: Pathogenic for Familial cancer of breast. Last evaluated: 2024-03-24. Review status: criteria provided, single submitter. Criteria: ACMG Guidelines, 2015. Collection method: clinical testing. Allele origin: unknown. Not counted in ClinVar's aggregate classification.

Quest Diagnostics Nichols Institute San Juan Capistrano
Classification: Pathogenic. Last evaluated: 2024-01-23. Review status: criteria provided, single submitter. Criteria: Quest Diagnostics criteria. Collection method: clinical testing. Allele origin: unknown. Not counted in ClinVar's aggregate classification.
Comment: The BRCA2 c.4965C>G (p.Tyr1655*) variant causes the premature termination of BRCA2 protein synthesis. This variant has been reported in the published literature in individuals affected with breast and ovarian cancer (PMIDs: 29371908 (2018), 28973083 (2017), 26681312 (2015), 25186627 (2015), 24728189 (2014)), and prostate cancer (PMID: 23569316 (2013)). The frequency of this variant in the general population, 0.0000074 (2/271452 chromosomes (Genome Aggregation Database)), is consistent with pathogenicity. Based on the available information, this variant is classified as pathogenic.

St. Jude Molecular Pathology, St. Jude Children's Research Hospital
Classification: Pathogenic for Breast-ovarian cancer, familial, susceptibility to, 2. Last evaluated: 2022-05-16. Review status: criteria provided, single submitter. Criteria: St. Jude Assertion Criteria 2020. Collection method: clinical testing. Allele origin: germline. Not counted in ClinVar's aggregate classification.
Comment: The BRCA2 c.4965C>G (p.Tyr1655Ter) change is a nonsense variant that is predicted to cause premature protein truncation and loss of normal protein function (PVS1). This variant has a maximum subpopulation frequency of 0.0016% in gnomAD v2.1.1 (PM2_supporting). This variant has been reported in individuals with a personal and/or family history of breast cancer, ovarian cancer, and prostate cancer (PS4; PMID: 17688236, 22009639, 25186627, 26681312, 29446198, 32338768, 32427313, 32853339). A different variant resulting in premature truncation at residue 1655 have also been reported in individuals with breast and/or ovarian cancer (PS1; PMID: 21120943, 25136594, 29446198). In summary, this variant meets criteria to be classified as pathogenic based on the ACMG/AMP criteria: PVS1, PS1, PS4, PM2_supporting.

GeneDx
Classification: Pathogenic. Last evaluated: 2022-03-29. Review status: criteria provided, single submitter. Criteria: GeneDx Variant Classification Process June 2021. Collection method: clinical testing. Allele origin: germline. Affected: yes. Not counted in ClinVar's aggregate classification.
Comment: Nonsense variant predicted to result in protein truncation or nonsense mediated decay in a gene for which loss-of-function is a known mechanism of disease; Reported in individuals with histories consistent with pathogenic variants in this gene (Ramus 2007, Sakai 2009, Castro 2013, Song 2014); Not observed at a significant frequency in large population cohorts (gnomAD); Truncating variants in this gene are considered pathogenic by a well-established clinical consortium and/or database; Also known as 5193C>G; This variant is associated with the following publications: (PMID: 17688236, 21205087, 19654294, 27376475, 31447099, 25525159, 23569316, 20858050, 23415752, 21913181, 25256924, 22009639, 24728189, 24830819, 25737278, 26295337, 26681312, 24916970, 25085752, 28651617, 28616458, 25186627, 29446198, 28973083, 30720243, 32853339, 32427313, 30787465, 33087929, 32338768, 32719484, 29371908)

Fulgent Genetics
Classification: Pathogenic for Familial cancer of breast; Medulloblastoma; Familial prostate cancer; Wilms tumor 1; Fanconi anemia complementation group D1; Breast-ovarian cancer, familial, susceptibility to, 2; Glioma susceptibility 3; Pancreatic cancer, susceptibility to, 2. Last evaluated: 2022-02-04. Review status: criteria provided, single submitter. Criteria: ACMG Guidelines, 2015. Collection method: clinical testing. Allele origin: unknown. Not counted in ClinVar's aggregate classification.

Daryl Scott Lab, Baylor College of Medicine
Classification: Pathogenic for Fanconi anemia complementation group D1. Last evaluated: 2020-11-11. Review status: criteria provided, single submitter. Criteria: ACMG Guidelines, 2015. Collection method: clinical testing. Allele origin: paternal. Affected: yes. Observed: 1 variant allele, 1 compound heterozygote. Not counted in ClinVar's aggregate classification.